The following is an entry in ClinVar:

NM_000077.5(CDKN2A):c.64C>T (p.Arg22Trp)

Gene: CDKN2A (cyclin dependent kinase inhibitor 2A; minus strand). Cytogenetic location: 9p21.3.
Variant type: single nucleotide variant.
Coding change: c.64C>T on transcript NM_000077.5; coding-DNA position 64, C replaced by T.
Protein change: p.Arg22Trp; replaces arginine 22 with tryptophan.
Molecular consequence: missense variant (on NM_000077.6). On other transcripts: intron variant (2).
Genome position (GRCh38, 1-based): chr9:21,974,764, G>A on the plus strand (C>T on the coding strand, the complement: CDKN2A is on the minus strand). VCF-style: chr9-21974764-G-A. GRCh37 (hg19) VCF-style: chr9-21974763-G-A.
Other names: c.64C>T, p.Arg22Trp (NM_000077.6, NM_001195132.2, NM_058197.5); c.-3-3556C>T (NM_001363763.2); c.194-3556C>T (NM_058195.4); short protein forms R22W.
Identifiers: ClinVar variation 833936 (VCV000833936.15), dbSNP rs374921006, ClinGen allele CA373086626.
Genomic context (GRCh38, chr9:21,974,764, plus strand): 5'-TCGGTGCGTTGGGCAGCGCCCCCGCCTCCAGCAGCGCCCGCACCTCCTCTACCCGACCCC[G>A]GGCCGCGGCCGTGGCCAGCCAGTCAGCCGAAGGCTCCATGCTGCTCCCCGCCGCCGGCTC-3'
Protein context (NP_000068.1, residues 12-32): SADWLATAAA[Arg22Trp]GRVEEVRALL

ClinVar aggregate classification (germline): Uncertain significance. Review status: criteria provided, multiple submitters, no conflicts (2 of 4 stars). 4 submissions from 4 submitters: Uncertain significance (4). Last evaluated 2024-08-17.

Conditions:
Hereditary cancer-predisposing syndrome. Also called: Neoplastic Syndromes, Hereditary; Tumor predisposition; Hereditary Cancer Syndrome; Hereditary neoplastic syndrome. Identifiers: Orphanet 140162, MedGen C0027672, MeSH D009386, MONDO:0015356.
Familial melanoma. Also called: Hereditary melanoma; Hereditary cutaneous melanoma. Identifiers: Orphanet 618, MedGen C1512419, MONDO:0018961.
Melanoma and neural system tumor syndrome. Also called: MELANOMA-ASTROCYTOMA SYNDROME. Identifiers: Orphanet 252206, MedGen C1835042, MONDO:0007967, OMIM 155755.

Submissions (4):

Labcorp Genetics (formerly Invitae), Labcorp
Classification: Uncertain significance for Familial melanoma. Last evaluated: 2024-08-17. Review status: criteria provided, single submitter. Criteria: Invitae Variant Classification Sherloc (09022015). Collection method: clinical testing. Allele origin: germline.
Comment: This sequence change replaces arginine, which is basic and polar, with tryptophan, which is neutral and slightly polar, at codon 22 of the CDKN2A (p16INK4a) protein (p.Arg22Trp). This variant is not present in population databases (gnomAD no frequency). This missense change has been observed in individual(s) with a personal and family history of cutaneous malignant melanoma (PMID: 25787093). ClinVar contains an entry for this variant (Variation ID: 833936). An algorithm developed to predict the effect of missense changes on protein structure and function (PolyPhen-2) suggests that this variant is likely to be disruptive. In summary, the available evidence is currently insufficient to determine the role of this variant in disease. Therefore, it has been classified as a Variant of Uncertain Significance.

Baylor Genetics
Classification: Uncertain significance for Melanoma and neural system tumor syndrome. Last evaluated: 2023-06-02. Review status: criteria provided, single submitter. Criteria: ACMG Guidelines, 2015. Collection method: clinical testing. Allele origin: unknown.

Revvity Omics, Revvity
Classification: Uncertain significance. Last evaluated: 2022-09-21. Review status: criteria provided, single submitter. Criteria: ACMG Guidelines, 2015. Collection method: clinical testing. Allele origin: germline.

Ambry Genetics
Classification: Uncertain significance for Hereditary cancer-predisposing syndrome. Last evaluated: 2015-11-17. Review status: criteria provided, single submitter. Criteria: Ambry Variant Classification Scheme 2023. Collection method: clinical testing. Allele origin: germline.
Comment: The p.R22W variant (also known as c.64C>T), located in coding exon 1 of the CDKN2A gene, results from a C to T substitution at nucleotide position 64 of the p16 protein-encoding isoform. The arginine at codon 22 is replaced by tryptophan, an amino acid with dissimilar properties. This alteration does not result in an amino-acid change in the p14-encoding isoform of CDKN2A. This variant was not reported in population based cohorts in the following databases: Database of Single Nucleotide Polymorphisms (dbSNP), NHLBI Exome Sequencing Project (ESP), and 1000 Genomes Project. In the ESP, this variant was not observed in 5683 samples (11366 alleles) with coverage at this position. To date, this alteration has been detected with an allele frequency of approximately 0.002% (greater than 50000 alleles tested) in our clinical cohort. This amino acid position is not well conserved in available vertebrate species. In addition, this alteration is predicted to be possibly damaging and deleterious by PolyPhen and SIFT in silico analyses, respectively. Since supporting evidence is limited at this time, the clinical significance of p.R22W remains unclear.

Literature cited by the submitters: PubMed 25787093 (cited by Labcorp Genetics (formerly Invitae), Labcorp and Ambry Genetics).